The following is an entry in ClinVar:

ClinVar aggregate classification (germline): Conflicting classifications of pathogenicity. Review status: criteria provided, conflicting classifications (1 of 4 stars). 9 submissions from 9 submitters: Uncertain significance (7); Likely benign (2). Last evaluated 2026-01-13.

Conditions:
Classic or attenuated familial adenomatous polyposis. Identifiers: MedGen CN372698, MONDO:0021057.
Hereditary cancer-predisposing syndrome. Also called: Neoplastic Syndromes, Hereditary; Tumor predisposition; Hereditary Cancer Syndrome; Hereditary neoplastic syndrome. Identifiers: Orphanet 140162, MedGen C0027672, MeSH D009386, MONDO:0015356.
Familial adenomatous polyposis 1 (FAP1). Also called: FAMILIAL ADENOMATOUS POLYPOSIS 1, ATTENUATED; POLYPOSIS, ADENOMATOUS INTESTINAL. Identifiers: MedGen C2713442, MONDO:0021056, OMIM 175100. Disease mechanism: loss of function.

Allele frequency attached by ClinVar (database versions not stated): gnomAD 0.00001; gnomAD exomes 0.00001 and 0.00003; ExAC 0.00002; TOPMed 0.00002.

Submissions (9):

Labcorp Genetics (formerly Invitae), Labcorp
Classification: Uncertain significance for Familial adenomatous polyposis 1. Last evaluated: 2026-01-13. Review status: criteria provided, single submitter. Criteria: Invitae Variant Classification Sherloc (09022015). Collection method: clinical testing. Allele origin: germline.
Comment: This sequence change replaces isoleucine, which is neutral and non-polar, with threonine, which is neutral and polar, at codon 632 of the APC protein (p.Ile632Thr). This variant is present in population databases (rs587781360, gnomAD 0.01%). This missense change has been observed in individual(s) with colorectal, breast, or ovarian cancer (PMID: 28135145, 31921681). ClinVar contains an entry for this variant (Variation ID: 140904). Invitae Evidence Modeling of protein sequence and biophysical properties (such as structural, functional, and spatial information, amino acid conservation, physicochemical variation, residue mobility, and thermodynamic stability) indicates that this missense variant is not expected to disrupt APC protein function with a negative predictive value of 95%. In summary, the available evidence is currently insufficient to determine the role of this variant in disease. Therefore, it has been classified as a Variant of Uncertain Significance.

Center for Genomic Medicine, Rigshospitalet, Copenhagen University Hospital
Classification: Likely benign. Last evaluated: 2025-12-29. Review status: criteria provided, single submitter. Criteria: ACMG Guidelines, 2015. Collection method: clinical testing. Allele origin: germline.
Comment: Classification criteria: BS1, BP1

Color Diagnostics, LLC DBA Color Health
Classification: Uncertain significance for Hereditary cancer-predisposing syndrome. Last evaluated: 2025-06-23. Review status: criteria provided, single submitter. Criteria: ACMG Guidelines, 2015. Collection method: clinical testing. Allele origin: germline.
Comment: This missense variant replaces isoleucine with threonine at codon 632 of the APC protein. Computational prediction suggests that this variant may have deleterious impact on protein structure and function. To our knowledge, functional studies have not been reported for this variant. This variant has been reported in an individual affected with colorectal cancer (PMID: 28135145). This variant has been identified in 7/251340 chromosomes in the general population by the Genome Aggregation Database (gnomAD). The available evidence is insufficient to determine the role of this variant in disease conclusively. Therefore, this variant is classified as a Variant of Uncertain Significance.

Quest Diagnostics Nichols Institute San Juan Capistrano
Classification: Uncertain significance. Last evaluated: 2024-04-18. Review status: criteria provided, single submitter. Criteria: Quest Diagnostics criteria. Collection method: clinical testing. Allele origin: unknown.
Comment: The APC c.1895T>C (p.Ile632Thr) variant has been reported in the published literature in individuals with colorectal cancer (PMID: 28135145 (2017)) and breast/ovarian cancer (PMID: 31921681 (2019)). The frequency of this variant in the general population, 0.00014 (5/34592 chromosomes in Admixed American subpopulation (Genome Aggregation Database)), is higher than would generally be expected for pathogenic variants in this gene. Analysis of this variant using bioinformatics tools for the prediction of the effect of amino acid changes on protein structure and function yielded predictions that this variant is damaging. Based on the available information, we are unable to determine the clinical significance of this variant.

All of Us Research Program, National Institutes of Health
Classification: Uncertain significance for Classic or attenuated familial adenomatous polyposis. Last evaluated: 2023-11-20. Review status: criteria provided, single submitter. Criteria: ACMG Guidelines, 2015. Collection method: clinical testing. Allele origin: germline. Inheritance: Autosomal dominant inheritance. Observed: 5 variant alleles, 5 heterozygotes.
Comment: This missense variant replaces isoleucine with threonine at codon 632 of the APC protein. Computational prediction is inconclusive regarding the impact of this variant on protein structure and function (internally defined REVEL score threshold 0.5 < inconclusive < 0.7, PMID: 27666373). To our knowledge, functional studies have not been reported for this variant. This variant has not been reported in individuals affected with hereditary cancer in the literature. This variant has been identified in 7/251340 chromosomes in the general population by the Genome Aggregation Database (gnomAD). The available evidence is insufficient to determine the role of this variant in disease conclusively. Therefore, this variant is classified as a Variant of Uncertain Significance.

This study involves interpretation of variants in research participants for the purpose of population health screening. Participant phenotype was not available at the time of variant classification. Additional details can be found in publication PMID: 35346344, PMCID: PMC8962531

Baylor Genetics
Classification: Uncertain significance for Familial adenomatous polyposis 1. Last evaluated: 2023-07-18. Review status: criteria provided, single submitter. Criteria: ACMG Guidelines, 2015. Collection method: clinical testing. Allele origin: unknown.

GeneDx
Classification: Uncertain significance. Last evaluated: 2023-02-16. Review status: criteria provided, single submitter. Criteria: GeneDx Variant Classification Process June 2021. Collection method: clinical testing. Allele origin: germline. Affected: yes.
Comment: In silico analysis, which includes protein predictors and evolutionary conservation, supports a deleterious effect; Observed in individuals with a personal and/or family history of colorectal or breast and/or ovarian cancer (Yurgelun et al., 2017; Oliver et al., 2019); This variant is associated with the following publications: (PMID: 18199528, 28135145, 31921681)

Women's Health and Genetics/Laboratory Corporation of America, LabCorp
Classification: Uncertain significance. Last evaluated: 2021-10-03. Review status: criteria provided, single submitter. Criteria: LabCorp Variant Classification Summary - May 2015. Collection method: clinical testing. Allele origin: germline.
Comment: Variant summary: APC c.1895T>C (p.Ile632Thr) results in a non-conservative amino acid change in the encoded protein sequence. Four of five in-silico tools predict a damaging effect of the variant on protein function. The variant allele was found at a frequency of 2.8e-05 in 251340 control chromosomes. The available data on variant occurrences in the general population are insufficient to allow any conclusion about variant significance. c.1895T>C has been reported in the literature as a VUS in settings of multigene cancer panel testing in individuals affected with colorectal or breast cancer (example, Yurgelun_2017, Oliver_2019). These report(s) do not provide unequivocal conclusions about association of the variant with Familial Adenomatous Polyposis. To our knowledge, no experimental evidence demonstrating an impact on protein function has been reported. Four clinical diagnostic laboratories have submitted clinical-significance assessments for this variant to ClinVar after 2014 without evidence for independent evaluation. All laboratories classified the variant as uncertain significance. Based on the evidence outlined above, the variant was classified as uncertain significance.

Ambry Genetics
Classification: Likely benign for Hereditary cancer-predisposing syndrome. Last evaluated: 2021-06-14. Review status: criteria provided, single submitter. Criteria: Ambry Variant Classification Scheme 2023. Collection method: clinical testing. Allele origin: germline.

Literature cited by the submitters: PubMed 28135145 (cited by 5 submitters); PubMed 31921681 (cited by 3 submitters).

NM_000038.6(APC):c.1895T>C (p.Ile632Thr)

Gene: APC (APC regulator of Wnt signaling pathway; plus strand). Cytogenetic location: 5q22.2.
Variant type: single nucleotide variant.
Coding change: c.1895T>C on transcript NM_000038.6 (MANE Select); coding-DNA position 1895, T replaced by C.
Protein change: p.Ile632Thr; replaces isoleucine 632 with threonine.
Molecular consequence: missense variant.
Genome position (GRCh38, 1-based): chr5:112,835,102, T>C. VCF-style: chr5-112835102-T-C. GRCh37 (hg19) VCF-style: chr5-112170799-T-C.
Other names: p.I632T:ATT>ACT; c.1895T>C, p.Ile632Thr (NM_001127510.3, NM_001354895.2); c.1841T>C, p.Ile614Thr (NM_001127511.3); c.1949T>C, p.Ile650Thr (NM_001354896.2); c.1925T>C, p.Ile642Thr (NM_001354897.2); c.1820T>C, p.Ile607Thr (NM_001354898.2); c.1811T>C, p.Ile604Thr (NM_001354899.2); c.1772T>C, p.Ile591Thr (NM_001354900.2); and 6 more; short protein forms I614T, I632T, I591T, I650T, I642T, I349T, I472T, I531T.
Identifiers: ClinVar variation 140904 (VCV000140904.30), dbSNP rs587781360, ClinGen allele CA006270.
Genomic context (GRCh38, chr5:112,835,102, plus strand): 5'-CACTTGCATTTTTGGTTGGCACTCTTACTTACCGGAGCCAGACAAACACTTTAGCCATTA[T>C]TGAAAGTGGAGGTGGGATATTACGGAATGTGTCCAGCTTGATAGCTACAAATGAGGACCA-3'
Protein context (NP_000029.2, residues 622-642): YRSQTNTLAI[Ile632Thr]ESGGGILRNV